The following is an entry in ClinVar:

NM_006267.5(RANBP2):c.80T>C (p.Met27Thr)

Gene: RANBP2 (RAN binding protein 2; plus strand). Cytogenetic location: 2q13.
Variant type: single nucleotide variant.
Coding change: c.80T>C on transcript NM_006267.5 (MANE Select); coding-DNA position 80, T replaced by C.
Protein change: p.Met27Thr; replaces methionine 27 with threonine.
Molecular consequence: missense variant.
Genome position (GRCh38, 1-based): chr2:108,729,139, T>C. VCF-style: chr2-108729139-T-C. GRCh37 (hg19) VCF-style: chr2-109345595-T-C.
Other names: short protein forms M27T.
Identifiers: ClinVar variation 942435 (VCV000942435.1), dbSNP rs1181847894, ClinGen allele CA348036288.
Genomic context (GRCh38, chr2:108,729,139, plus strand): 5'-ATGTTGGAAAATATTTCTGTATGAAAAGTAAAACAACTTTTAATTTTTTTTAGAAGTCAA[T>C]GAAAGGATTCTATTTTGCAAAGCTGTATTATGAAGCTAAAGAATATGATCTTGCTAAAAA-3'
Protein context (NP_006258.3, residues 17-37): GSTPSPRQKS[Met27Thr]KGFYFAKLYY

ClinVar aggregate classification (germline): Uncertain significance (1 of 4 stars; one submission).

Conditions:
Familial acute necrotizing encephalopathy (IIAE3). Also called: ENCEPHALOPATHY, ACUTE, INFECTION-INDUCED, SUSCEPTIBILITY TO, 3; Susceptibility to Acute Necrotizing Encephalopathy 1. Identifiers: Orphanet 88619, MedGen C2675556, MONDO:0011953, OMIM 608033.

Allele frequency attached by ClinVar (database versions not stated): gnomAD exomes below 0.00001 and 0.00001.
gnomAD v4.1: 4 of 1,572,106 alleles (0.00025%); highest among the groups gnomAD compares: Admixed American, 0.0017%; no homozygotes.

Submission:

Labcorp Genetics (formerly Invitae), Labcorp
Classification: Uncertain significance for Encephalopathy, acute, infection-induced, 3, suceptibility to. Last evaluated: 2019-06-03. Review status: criteria provided, single submitter. Criteria: Invitae Variant Classification Sherloc (09022015). Collection method: clinical testing. Allele origin: germline.
Comment: This sequence change replaces methionine with threonine at codon 27 of the RANBP2 protein (p.Met27Thr). The methionine residue is highly conserved and there is a moderate physicochemical difference between methionine and threonine. This variant is not present in population databases (ExAC no frequency). This variant has not been reported in the literature in individuals with RANBP2-related conditions. Algorithms developed to predict the effect of missense changes on protein structure and function are either unavailable or do not agree on the potential impact of this missense change (SIFT: "Deleterious"; PolyPhen-2: "Benign"; Align-GVGD: "Class C55"). In summary, the available evidence is currently insufficient to determine the role of this variant in disease. Therefore, it has been classified as a Variant of Uncertain Significance.